The following is an entry in ClinVar:

ClinVar aggregate classification (germline): Uncertain significance (1 of 4 stars; one submission).

Conditions:
Martsolf syndrome (MARTS). Also called: Congenital cataract with intellectual disability and hypogonadotropic hypogonadism syndrome. Identifiers: Orphanet 1387, MedGen C0796037, MONDO:0023910.
Warburg micro syndrome 2 (WARBM2). Also called: MICRO SYNDROME 2. Identifiers: Orphanet 2510, MedGen C3280214, MONDO:0013641, OMIM 614225.

gnomAD v4.1: 2 of 1,614,074 alleles (0.00012%); highest among the groups gnomAD compares: South Asian, 0.0011%; no homozygotes.

Submission:

Labcorp Genetics (formerly Invitae), Labcorp
Classification: Uncertain significance for Martsolf syndrome; Warburg micro syndrome 2. Last evaluated: 2022-06-14. Review status: criteria provided, single submitter. Criteria: Invitae Variant Classification Sherloc (09022015). Collection method: clinical testing. Allele origin: germline.
Comment: This variant has not been reported in the literature in individuals affected with RAB3GAP2-related conditions. This variant is not present in population databases (gnomAD no frequency). This sequence change replaces alanine, which is neutral and non-polar, with threonine, which is neutral and polar, at codon 871 of the RAB3GAP2 protein (p.Ala871Thr). Algorithms developed to predict the effect of missense changes on protein structure and function (SIFT, PolyPhen-2, Align-GVGD) all suggest that this variant is likely to be tolerated. In summary, the available evidence is currently insufficient to determine the role of this variant in disease. Therefore, it has been classified as a Variant of Uncertain Significance.

NM_012414.4(RAB3GAP2):c.2611G>A (p.Ala871Thr)

Gene: RAB3GAP2 (RAB3 GTPase activating non-catalytic protein subunit 2; minus strand). Cytogenetic location: 1q41.
Variant type: single nucleotide variant.
Coding change: c.2611G>A on transcript NM_012414.4 (MANE Select); coding-DNA position 2611, G replaced by A.
Protein change: p.Ala871Thr; replaces alanine 871 with threonine.
Molecular consequence: missense variant.
Genome position (GRCh38, 1-based): chr1:220,171,087, C>T on the plus strand (G>A on the coding strand, the complement: RAB3GAP2 is on the minus strand). VCF-style: chr1-220171087-C-T. GRCh37 (hg19) VCF-style: chr1-220344429-C-T.
Other names: short protein forms A871T.
Identifiers: ClinVar variation 1961658 (VCV001961658.5), dbSNP rs2528641345, ClinGen allele CA344638109.